The following is an entry in ClinVar:

NM_001165963.4(SCN1A):c.5717T>A (p.Ile1906Asn)

Genes: SCN1A (sodium voltage-gated channel alpha subunit 1; minus strand), LOC102724058 (uncharacterized LOC102724058; plus strand). Cytogenetic location: 2q24.3.
Variant type: single nucleotide variant.
Coding change: c.5717T>A on transcript NM_001165963.4 (MANE Select); coding-DNA position 5717, T replaced by A.
Protein change: p.Ile1906Asn; replaces isoleucine 1906 with asparagine.
Molecular consequence: missense variant. On other transcripts: non-coding transcript variant (1).
Genome position (GRCh38, 1-based): chr2:165,991,558, A>T on the plus strand (T>A on the coding strand, the complement: SCN1A is on the minus strand). VCF-style: chr2-165991558-A-T. GRCh37 (hg19) VCF-style: chr2-166848068-A-T.
Other names: c.5633T>A, p.Ile1878Asn (NM_001165964.3, NM_001353957.2, NM_001353958.2); c.5717T>A, p.Ile1906Asn (NM_001202435.3, NM_001353948.2); c.5684T>A, p.Ile1895Asn (NM_001353949.2, NM_001353950.2, NM_001353951.2 and 2 more transcripts); c.5681T>A, p.Ile1894Asn (NM_001353954.2, NM_001353955.2); c.5630T>A, p.Ile1877Asn (NM_001353960.2); c.3275T>A, p.Ile1092Asn (NM_001353961.2); short protein forms I1877N, I1894N, I1895N, I1906N, I1878N, I1092N.
Identifiers: ClinVar variation 945715 (VCV000945715.10), dbSNP rs1689150507, ClinGen allele CA349064521.

ClinVar aggregate classification (germline): Uncertain significance (1 of 4 stars; one submission).

Conditions:
Early-infantile DEE. Also called: Early infantile epileptic encephalopathy; Ohtahara syndrome; Early infantile epileptic encephalopathy with suppression bursts. Identifiers: Orphanet 1934, MedGen C0393706, MONDO:0800491.

Submission:

Labcorp Genetics (formerly Invitae), Labcorp
Classification: Uncertain significance for Early-infantile DEE. Last evaluated: 2020-03-05. Review status: criteria provided, single submitter. Criteria: Invitae Variant Classification Sherloc (09022015). Collection method: clinical testing. Allele origin: germline.
Comment: Algorithms developed to predict the effect of missense changes on protein structure and function (SIFT, PolyPhen-2, Align-GVGD) all suggest that this variant is likely to be disruptive, but these predictions have not been confirmed by published functional studies and their clinical significance is uncertain. This variant has not been reported in the literature in individuals with SCN1A-related conditions. This variant is not present in population databases (ExAC no frequency). This sequence change replaces isoleucine with asparagine at codon 1906 of the SCN1A protein (p.Ile1906Asn). The isoleucine residue is highly conserved and there is a large physicochemical difference between isoleucine and asparagine. In summary, the available evidence is currently insufficient to determine the role of this variant in disease. Therefore, it has been classified as a Variant of Uncertain Significance.